The following is an entry in ClinVar:

ClinVar aggregate classification (germline): Uncertain significance. Review status: criteria provided, multiple submitters, no conflicts (2 of 4 stars). 3 submissions from 3 submitters: Uncertain significance (3). Last evaluated 2026-02-24.

Conditions:
Hypercholesterolemia, autosomal dominant, type B (FHCL2). Also called: Familial hypercholesterolemia 2; APOB-Related Familial Hypercholesterolemia, Autosomal Dominant; Familial Hypercholesterolemia Type B; APOLIPOPROTEIN B-100, FAMILIAL DEFECTIVE; APOLIPOPROTEIN B-100, FAMILIAL LIGAND-DEFECTIVE; Hyperlipoproteinemia Type IIb. Identifiers: MedGen C1704417, MONDO:0007751, OMIM 144010.
Familial hypobetalipoproteinemia 1. Also called: Hypobetalipoproteinemia, normotriglyceridemic; Acanthocytosis with hypobetalipoproteinemia; APOB-Related Familial Hypobetalipoproteinemia. Identifiers: MedGen C4551990, MONDO:0014252, OMIM 615558.

Allele frequency attached by ClinVar (database versions not stated): TOPMed below 0.00001; gnomAD exomes below 0.00001; gnomAD 0.00001.

Submissions (3):

GeneDx
Classification: Uncertain significance. Last evaluated: 2026-02-24. Review status: criteria provided, single submitter. Criteria: GeneDx Variant Classification Process June 2021. Collection method: clinical testing. Allele origin: germline.
Comment: Not observed at significant frequency in large population cohorts (gnomAD); In silico analysis suggests that this missense variant does not alter protein structure/function; Has not been previously published as pathogenic or benign to our knowledge

Labcorp Genetics (formerly Invitae), Labcorp
Classification: Uncertain significance for Familial hypobetalipoproteinemia 1; Hypercholesterolemia, autosomal dominant, type B. Last evaluated: 2025-03-09. Review status: criteria provided, single submitter. Criteria: Invitae Variant Classification Sherloc (09022015). Collection method: clinical testing. Allele origin: germline.
Comment: This sequence change replaces leucine, which is neutral and non-polar, with proline, which is neutral and non-polar, at codon 521 of the APOB protein (p.Leu521Pro). This variant is present in population databases (no rsID available, gnomAD 0.0009%). This variant has not been reported in the literature in individuals affected with APOB-related conditions. ClinVar contains an entry for this variant (Variation ID: 1409584). Invitae Evidence Modeling of protein sequence and biophysical properties (such as structural, functional, and spatial information, amino acid conservation, physicochemical variation, residue mobility, and thermodynamic stability) indicates that this missense variant is not expected to disrupt APOB protein function with a negative predictive value of 95%. In summary, the available evidence is currently insufficient to determine the role of this variant in disease. Therefore, it has been classified as a Variant of Uncertain Significance.

Centre for Clinical Genetics and Genomic Diagnostics, Zealand University Hospital
Classification: Uncertain significance. Last evaluated: 2024-04-09. Review status: criteria provided, single submitter. Criteria: ACMG Guidelines, 2015. Collection method: clinical testing. Allele origin: germline.

NM_000384.3(APOB):c.1562T>C (p.Leu521Pro)

Gene: APOB (apolipoprotein B; minus strand). Cytogenetic location: 2p24.1.
Variant type: single nucleotide variant.
Coding change: c.1562T>C on transcript NM_000384.3 (MANE Select); coding-DNA position 1562, T replaced by C.
Protein change: p.Leu521Pro; replaces leucine 521 with proline.
Molecular consequence: missense variant.
Genome position (GRCh38, 1-based): chr2:21,029,694, A>G on the plus strand (T>C on the coding strand, the complement: APOB is on the minus strand). VCF-style: chr2-21029694-A-G. GRCh37 (hg19) VCF-style: chr2-21252566-A-G.
Other names: c.1562T>C (NM_000384.2); short protein forms L521P.
Identifiers: ClinVar variation 1409584 (VCV001409584.10), dbSNP rs1442338140, ClinGen allele CA346014989.